The following is an entry in ClinVar:

ClinVar aggregate classification (germline): Benign. Review status: criteria provided, multiple submitters, no conflicts (2 of 4 stars). 21 submissions from 21 submitters: Benign (14). 7 of the submissions do not count toward it. Last evaluated 2026-02-04.

Conditions:
Inborn genetic diseases. Identifiers: MedGen C0950123, MeSH D030342.
Wilson disease (WND). Also called: Wilson's disease. Identifiers: Orphanet 905, MedGen C0019202, MONDO:0010200, OMIM 277900. Disease mechanism: loss of function.

Allele frequency attached by ClinVar (database versions not stated): 1000 Genomes Project 0.37700; gnomAD 0.41941; TOPMed 0.39317; ESP Exome Variant Server 0.40522; 1000 Genomes Project 30x 0.37399.
gnomAD v4.1: 751,190 of 1,613,902 alleles (47%); highest among the groups gnomAD compares: Non-Finnish European, 49%; 178,885 homozygotes.

Submissions (21):

Labcorp Genetics (formerly Invitae), Labcorp
Classification: Benign for Wilson disease. Last evaluated: 2026-02-04. Review status: criteria provided, single submitter. Criteria: Invitae Variant Classification Sherloc (09022015). Collection method: clinical testing. Allele origin: germline.

ARUP Laboratories, Molecular Genetics and Genomics, ARUP Laboratories
Classification: Benign for Wilson disease. Last evaluated: 2025-07-31. Review status: criteria provided, single submitter. Criteria: ARUP Molecular Germline Variant Investigation Process 2024. Collection method: clinical testing. Allele origin: germline.

Blueprint Genetics
Classification: Benign. Last evaluated: 2024-11-27. Review status: criteria provided, single submitter. Criteria: ACMG Guidelines, 2015. Collection method: clinical testing. Allele origin: germline.

All of Us Research Program, National Institutes of Health
Classification: Benign for Wilson disease. Last evaluated: 2024-10-03. Review status: criteria provided, single submitter. Criteria: ACMG Guidelines, 2015. Collection method: clinical testing. Allele origin: germline. Inheritance: Autosomal recessive inheritance. Observed: 100,003 variant alleles, 69,614 heterozygotes, 30,366 homozygotes, 23 hemizygotes.
Comment: This study involves interpretation of variants in research participants for the purpose of population health screening. Participant phenotype was not available at the time of variant classification. Additional details can be found in publication PMID: 35346344, PMCID: PMC8962531

Mayo Clinic Laboratories, Mayo Clinic
Classification: Benign. Last evaluated: 2023-01-06. Review status: criteria provided, single submitter. Criteria: ACMG Guidelines, 2015. Collection method: clinical testing. Allele origin: germline. Observed: 1,886 variant alleles.
Comment: BA1, BP4

Genome-Nilou Lab
Classification: Benign for Wilson disease. Last evaluated: 2021-07-01. Review status: criteria provided, single submitter. Criteria: ACMG Guidelines, 2015. Collection method: clinical testing. Allele origin: germline. Affected: no.

Color Diagnostics, LLC DBA Color Health
Classification: Benign for Wilson disease. Last evaluated: 2018-03-05. Review status: criteria provided, single submitter. Criteria: ACMG Guidelines, 2015. Collection method: clinical testing. Allele origin: germline.

Illumina Laboratory Services, Illumina
Classification: Benign for Wilson disease. Last evaluated: 2018-01-12. Review status: criteria provided, single submitter. Criteria: ICSL Variant Classification Criteria 13 December 2019. Collection method: clinical testing. Allele origin: germline.
Comment: This variant was observed in the ICSL laboratory as part of a predisposition screen in an ostensibly healthy population. It had not been previously curated by ICSL or reported in the Human Gene Mutation Database (HGMD: prior to June 1st, 2018), and was therefore a candidate for classification through an automated scoring system. Utilizing variant allele frequency, disease prevalence and penetrance estimates, and inheritance mode, an automated score was calculated to assess if this variant is too frequent to cause the disease. Based on the score and internal cut-off values, a variant classified as benign is not then subjected to further curation. The score for this variant resulted in a classification of benign for this disease.

Ambry Genetics
Classification: Benign for Inborn genetic diseases. Last evaluated: 2016-08-02. Review status: criteria provided, single submitter. Criteria: Ambry Variant Classification Scheme 2023. Collection method: clinical testing. Allele origin: germline.

Eurofins Ntd Llc (ga)
Classification: Benign. Last evaluated: 2016-04-27. Review status: criteria provided, single submitter. Criteria: EGL Classification Definitions 2015. Collection method: clinical testing. Allele origin: germline. Observed: 42 variant alleles, 25 heterozygotes, 17 homozygotes.

GeneDx
Classification: Benign. Last evaluated: 2016-01-08. Review status: criteria provided, single submitter. Criteria: GeneDx Variant Classification (06012015). Collection method: clinical testing. Allele origin: germline. Affected: yes.
Comment: This variant is considered likely benign or benign based on one or more of the following criteria: it is a conservative change, it occurs at a poorly conserved position in the protein, it is predicted to be benign by multiple in silico algorithms, and/or has population frequency not consistent with disease.

Genetic Services Laboratory, University of Chicago
Classification: Benign. Last evaluated: 2013-02-08. Review status: criteria provided, single submitter. Criteria: ACMG Guidelines, 2007. Collection method: clinical testing. Allele origin: germline. Inheritance: Autosomal recessive inheritance.

Breakthrough Genomics
Classification: Benign. Review status: criteria provided, single submitter. Criteria: ACMG Guidelines, 2015. Collection method: not provided. Allele origin: germline. Inheritance: Autosomal recessive inheritance. Affected: yes.

PreventionGenetics, part of Exact Sciences
Classification: Benign. Review status: criteria provided, single submitter. Criteria: ACMG Guidelines, 2015. Collection method: clinical testing. Allele origin: germline.

Women's Health and Genetics/Laboratory Corporation of America, LabCorp
Classification: Benign for Wilson's disease. Last evaluated: 2011-11-26. Review status: no assertion criteria provided. Collection method: clinical testing. Allele origin: germline. Not counted in ClinVar's aggregate classification.

Clinical Genetics DNA and cytogenetics Diagnostics Lab, Erasmus MC, Erasmus Medical Center
Classification: Benign. Review status: no assertion criteria provided. Collection method: clinical testing. Allele origin: germline. Affected: yes. Study: VKGL Data-share Consensus. Not counted in ClinVar's aggregate classification.

Clinical Genetics, Academic Medical Center
Classification: Benign. Review status: no assertion criteria provided. Collection method: clinical testing. Allele origin: germline. Affected: yes. Study: VKGL Data-share Consensus. Not counted in ClinVar's aggregate classification.

Department of Pathology and Laboratory Medicine, Sinai Health System
Classification: Uncertain significance. Review status: no assertion criteria provided. Collection method: clinical testing. Allele origin: unknown. Affected: yes. Study: The Canadian Open Genetics Repository (COGR). Not counted in ClinVar's aggregate classification.
Comment: multiple AR variants in same gene - keep for nowAllele frequency is common in at least one population database (frequency: 53.754% in ExAC) based on the frequency threshold of 2.434% for this gene.Variant was observed in a homozygous state in population databases more than expected for disease.

Diagnostic Laboratory, Department of Genetics, University Medical Center Groningen
Classification: Benign for Wilson disease. Review status: no assertion criteria provided. Collection method: clinical testing. Allele origin: germline. Affected: yes. Study: VKGL Data-share Consensus. Not counted in ClinVar's aggregate classification.

Genome Diagnostics Laboratory, Amsterdam University Medical Center
Classification: Benign. Review status: no assertion criteria provided. Collection method: clinical testing. Allele origin: germline. Affected: yes. Study: VKGL Data-share Consensus. Not counted in ClinVar's aggregate classification.

Joint Genome Diagnostic Labs from Nijmegen and Maastricht, Radboudumc and MUMC+
Classification: Benign. Review status: no assertion criteria provided. Collection method: clinical testing. Allele origin: germline. Affected: yes. Study: VKGL Data-share Consensus. Not counted in ClinVar's aggregate classification.

NM_000053.4(ATP7B):c.1366G>C (p.Val456Leu)

Gene: ATP7B (ATPase copper transporting beta; minus strand). Cytogenetic location: 13q14.3.
Variant type: single nucleotide variant.
Coding change: c.1366G>C on transcript NM_000053.4 (MANE Select); coding-DNA position 1366, G replaced by C.
Protein change: p.Val456Leu; replaces valine 456 with leucine.
Molecular consequence: missense variant.
Genome position (GRCh38, 1-based): chr13:51,970,669, C>G on the plus strand (G>C on the coding strand, the complement: ATP7B is on the minus strand). VCF-style: chr13-51970669-C-G. GRCh37 (hg19) VCF-style: chr13-52544805-C-G.
Other names: c.1366G>C, p.Val456Leu (NM_001005918.3, NM_001330578.2, NM_001330579.2); c.1033G>C, p.Val345Leu (NM_001243182.2); short protein forms V456L, V345L.
Identifiers: ClinVar variation 35702 (VCV000035702.46), dbSNP rs1801244, ClinGen allele CA145670.